The following is an entry in ClinVar:

ClinVar aggregate classification (germline): Benign (1 of 4 stars; one submission).

Allele frequency attached by ClinVar (database versions not stated): gnomAD exomes 0.00121 and 0.00061; ExAC 0.00248; 1000 Genomes Project 30x 0.00953; gnomAD 0.00670 and 0.00726; 1000 Genomes Project 0.00699; ESP Exome Variant Server 0.00483; TOPMed 0.00738.

Submission:

GeneDx
Classification: Benign. Last evaluated: 2014-04-22. Review status: criteria provided, single submitter. Criteria: GeneDx Variant Classification (06012015). Collection method: clinical testing. Allele origin: germline. Affected: yes.
Comment: This variant is considered likely benign or benign based on one or more of the following criteria: it is a conservative change, it occurs at a poorly conserved position in the protein, it is predicted to be benign by multiple in silico algorithms, and/or has population frequency not consistent with disease.

NM_017775.3(TTC19):c.-107A>T

Gene: TTC19 (tetratricopeptide repeat domain 19; plus strand). Cytogenetic location: 17p12.
Variant type: single nucleotide variant.
Coding change: c.-107A>T on transcript NM_017775.3; 107 bases upstream of the start codon, A replaced by T.
Genome position (GRCh38, 1-based): chr17:15,999,742, A>T. VCF-style: chr17-15999742-A-T. GRCh37 (hg19) VCF-style: chr17-15903056-A-T.
Other names: p.D86V:GAT>GTT.
Identifiers: ClinVar variation 137771 (VCV000137771.7), dbSNP rs79724115, ClinGen allele CA291430.